The following is an entry in ClinVar:

NM_000092.5(COL4A4):c.1204+5G>A

Gene: COL4A4 (collagen type IV alpha 4 chain; minus strand). Cytogenetic location: 2q36.3.
Variant type: single nucleotide variant.
Coding change: c.1204+5G>A on transcript NM_000092.5 (MANE Select); 5 bases into the intron after coding-DNA position 1204, G replaced by A.
Molecular consequence: intron variant.
Genome position (GRCh38, 1-based): chr2:227,098,689, C>T on the plus strand (G>A on the coding strand, the complement: COL4A4 is on the minus strand). VCF-style: chr2-227098689-C-T. GRCh37 (hg19) VCF-style: chr2-227963405-C-T.
Identifiers: ClinVar variation 1524550 (VCV001524550.8), dbSNP rs748967270, ClinGen allele CA2145257.

ClinVar aggregate classification (germline): Uncertain significance. Review status: criteria provided, multiple submitters, no conflicts (2 of 4 stars). 4 submissions from 4 submitters: Uncertain significance (4). Last evaluated 2024-09-10.

Conditions:
Autosomal recessive Alport syndrome (ATS2). Also called: COL4A4 Alport Syndrome and Thin Basement Membrane Nephropathy; Alport syndrome type 2; COL4A3-Related Nephropathy; ALPORT SYNDROME 2, AUTOSOMAL RECESSIVE. Identifiers: Orphanet 63, Orphanet 88919, MedGen C4746745, MONDO:0008762, OMIM 203780.
Benign familial hematuria. Also called: thin basement membrane disease. Identifiers: MedGen C0241908, MONDO:0957317.

Allele frequency attached by ClinVar (database versions not stated): gnomAD exomes below 0.00001 and 0.00001; ExAC 0.00001; TOPMed 0.00002.
gnomAD v4.1: 22 of 1,612,774 alleles (0.0014%); highest among the groups gnomAD compares: Admixed American, 0.0017%; no homozygotes.

Submissions (5):

Labcorp Genetics (formerly Invitae), Labcorp
Classification: Uncertain significance. Last evaluated: 2024-09-10. Review status: criteria provided, single submitter. Criteria: Invitae Variant Classification Sherloc (09022015). Collection method: clinical testing. Allele origin: germline.
Comment: This sequence change falls in intron 19 of the COL4A4 gene. It does not directly change the encoded amino acid sequence of the COL4A4 protein. It affects a nucleotide within the consensus splice site. The frequency data for this variant in the population databases is considered unreliable, as metrics indicate poor data quality at this position in the gnomAD database. This variant has not been reported in the literature in individuals affected with COL4A4-related conditions. ClinVar contains an entry for this variant (Variation ID: 1524550). Variants that disrupt the consensus splice site are a relatively common cause of aberrant splicing (PMID: 17576681, 9536098). Algorithms developed to predict the effect of sequence changes on RNA splicing suggest that this variant is not likely to affect RNA splicing. In summary, the available evidence is currently insufficient to determine the role of this variant in disease. Therefore, it has been classified as a Variant of Uncertain Significance.

Women's Health and Genetics/Laboratory Corporation of America, LabCorp
Classification: Uncertain significance. Last evaluated: 2024-06-17. Review status: criteria provided, single submitter. Criteria: LabCorp Variant Classification Summary - May 2015. Collection method: clinical testing. Allele origin: germline.

GeneDx
Classification: Uncertain significance. Last evaluated: 2024-01-02. Review status: criteria provided, single submitter. Criteria: GeneDx Variant Classification Process June 2021. Collection method: clinical testing. Allele origin: germline. Affected: yes.
Comment: Not observed at significant frequency in large population cohorts (gnomAD); In silico analysis is inconclusive as to whether the variant alters gene splicing. In the absence of RNA/functional studies, the actual effect of this sequence change is unknown.; Has not been previously published as pathogenic or benign to our knowledge

Fulgent Genetics
Classification: Uncertain significance for Hematuria, benign familial, 1; Autosomal recessive Alport syndrome. Last evaluated: 2022-03-26. Review status: criteria provided, single submitter. Criteria: ACMG Guidelines, 2015. Collection method: clinical testing. Allele origin: unknown.

Dr. Peter K. Rogan Lab, Western University
No classification provided (evidence only). Condition: Uterine corpus endometrial carcinoma. Review status: no classification provided. Collection method: in vitro. Allele origin: not applicable. Functional consequence: retained intron. Not counted in ClinVar's aggregate classification.

Literature cited by the submitters: PubMed 17576681 (cited by Labcorp Genetics (formerly Invitae), Labcorp); PubMed 9536098 (cited by Labcorp Genetics (formerly Invitae), Labcorp).